The following is an entry in ClinVar:

ClinVar aggregate classification (germline): Uncertain significance (1 of 4 stars; one submission).

Submission:

Labcorp Genetics (formerly Invitae), Labcorp
Classification: Uncertain significance. Last evaluated: 2024-02-27. Review status: criteria provided, single submitter. Criteria: Invitae Variant Classification Sherloc (09022015). Collection method: clinical testing. Allele origin: germline.
Comment: This sequence change falls in intron 3 of the CLCN7 gene. It does not directly change the encoded amino acid sequence of the CLCN7 protein. It affects a nucleotide within the consensus splice site. This variant is not present in population databases (gnomAD no frequency). This variant has not been reported in the literature in individuals affected with CLCN7-related conditions. Variants that disrupt the consensus splice site are a relatively common cause of aberrant splicing (PMID: 17576681, 9536098). Algorithms developed to predict the effect of sequence changes on RNA splicing suggest that this variant is not likely to affect RNA splicing. In summary, the available evidence is currently insufficient to determine the role of this variant in disease. Therefore, it has been classified as a Variant of Uncertain Significance.

Literature cited by the submitters: PubMed 17576681; PubMed 9536098.

NM_001287.6(CLCN7):c.286-3C>T

Gene: CLCN7 (chloride voltage-gated channel 7; minus strand). Cytogenetic location: 16p13.3.
Variant type: single nucleotide variant.
Coding change: c.286-3C>T on transcript NM_001287.6 (MANE Select); 3 bases into the intron before coding-DNA position 286, C replaced by T.
Molecular consequence: intron variant.
Genome position (GRCh38, 1-based): chr16:1,461,473, G>A on the plus strand (C>T on the coding strand, the complement: CLCN7 is on the minus strand). VCF-style: chr16-1461473-G-A. GRCh37 (hg19) VCF-style: chr16-1511474-G-A.
Other names: c.214-3C>T (NM_001114331.3).
Identifiers: ClinVar variation 3643492 (VCV003643492.2).